The following is an entry in ClinVar:

ClinVar aggregate classification (germline): Pathogenic (1 of 4 stars; one submission).

Allele frequency attached by ClinVar (database versions not stated): gnomAD exomes below 0.00001; gnomAD 0.00001.

Submission:

Labcorp Genetics (formerly Invitae), Labcorp
Classification: Pathogenic. Last evaluated: 2023-08-29. Review status: criteria provided, single submitter. Criteria: Invitae Variant Classification Sherloc (09022015). Collection method: clinical testing. Allele origin: germline.
Comment: This sequence change creates a premature translational stop signal (p.Lys239*) in the HPS6 gene. While this is not anticipated to result in nonsense mediated decay, it is expected to disrupt the last 537 amino acid(s) of the HPS6 protein. This variant is present in population databases (no rsID available, gnomAD 0.06%). This variant has not been reported in the literature in individuals affected with HPS6-related conditions. This variant disrupts a region of the HPS6 protein in which other variant(s) (p.Gln680*) have been determined to be pathogenic (PMID: 27225848, 29054114, 31141302). This suggests that this is a clinically significant region of the protein, and that variants that disrupt it are likely to be disease-causing. For these reasons, this variant has been classified as Pathogenic.

Literature cited by the submitters: PubMed 27225848; PubMed 29054114; PubMed 31141302.

NM_024747.6(HPS6):c.714dup (p.Lys239Ter)

Gene: HPS6 (HPS6 biogenesis of lysosomal organelles complex 2 subunit 3; plus strand). Cytogenetic location: 10q24.32.
Variant type: Duplication.
Coding change: c.714dup on transcript NM_024747.6 (MANE Select); coding-DNA position 714, one base duplicated (T; older notation c.714dupT).
Protein change: p.Lys239Ter; replaces lysine 239 with a stop codon.
Molecular consequence: nonsense.
Genome position (GRCh38, 1-based): chr10:102,066,188, T duplicated. VCF-style (leftmost placement, unchanged base first): chr10-102066187-G-GT. GRCh37 (hg19) VCF-style: chr10-103825944-G-GT.
Other names: short protein forms K239*.
Identifiers: ClinVar variation 2995027 (VCV002995027.3), dbSNP rs1212937518, ClinGen allele CA471011383.